The following is an entry in ClinVar:

NM_002485.5(NBN):c.896+2T>C

Gene: NBN (nibrin; minus strand). Cytogenetic location: 8q21.3.
Variant type: single nucleotide variant.
Coding change: c.896+2T>C on transcript NM_002485.5 (MANE Select); the canonical splice donor site of the intron after coding-DNA position 896, T replaced by C.
Molecular consequence: splice donor variant.
Genome position (GRCh38, 1-based): chr8:89,970,362, A>G on the plus strand (T>C on the coding strand, the complement: NBN is on the minus strand). VCF-style: chr8-89970362-A-G. GRCh37 (hg19) VCF-style: chr8-90982590-A-G.
Other names: c.650+2T>C (NM_001024688.3).
Identifiers: ClinVar variation 659008 (VCV000659008.12), dbSNP rs754659423, ClinGen allele CA371658121.

ClinVar aggregate classification (germline): Conflicting classifications of pathogenicity. Review status: criteria provided, conflicting classifications (1 of 4 stars). 3 submissions from 3 submitters: Likely pathogenic (2); Uncertain significance (1). Last evaluated 2023-08-31.

Conditions:
Aplastic anemia. Identifiers: Orphanet 182040, Orphanet 88, MedGen C0002874, MONDO:0015909, OMIM 609135, HP:0001915.
Hereditary cancer-predisposing syndrome. Also called: Neoplastic Syndromes, Hereditary; Hereditary neoplastic syndrome; Hereditary Cancer Syndrome; Tumor predisposition. Identifiers: Orphanet 140162, MedGen C0027672, MeSH D009386, MONDO:0015356.
Microcephaly, normal intelligence and immunodeficiency (NBS). Also called: BERLIN BREAKAGE SYNDROME; Immunodeficiency, microcephaly with normal intelligence; SEEMANOVA SYNDROME II; Ataxia telangiectasia variant V1; Nijmegen breakage syndrome; IMMUNODEFICIENCY, MICROCEPHALY, AND CHROMOSOMAL INSTABILITY. Identifiers: Orphanet 647, MedGen C0398791, MONDO:0009623, OMIM 251260.

gnomAD v4.1: 2 of 1,601,432 alleles (0.00012%); highest among the groups gnomAD compares: Non-Finnish European, 0.00017%; no homozygotes.

Submissions (3):

Labcorp Genetics (formerly Invitae), Labcorp
Classification: Likely pathogenic for Microcephaly, normal intelligence and immunodeficiency. Last evaluated: 2023-08-31. Review status: criteria provided, single submitter. Criteria: Invitae Variant Classification Sherloc (09022015). Collection method: clinical testing. Allele origin: germline.
Comment: This variant is not present in population databases (gnomAD no frequency). This sequence change affects a donor splice site in intron 7 of the NBN gene. It is expected to disrupt RNA splicing. Variants that disrupt the donor or acceptor splice site typically lead to a loss of protein function (PMID: 16199547), and loss-of-function variants in NBN are known to be pathogenic (PMID: 9590180, 16415040). This variant has not been reported in the literature in individuals affected with NBN-related conditions. ClinVar contains an entry for this variant (Variation ID: 659008). Algorithms developed to predict the effect of sequence changes on RNA splicing suggest that this variant may disrupt the consensus splice site. In summary, the currently available evidence indicates that the variant is pathogenic, but additional data are needed to prove that conclusively. Therefore, this variant has been classified as Likely Pathogenic.

Baylor Genetics
Classification: Likely pathogenic for Aplastic anemia. Last evaluated: 2023-03-20. Review status: criteria provided, single submitter. Criteria: ACMG Guidelines, 2015. Collection method: clinical testing. Allele origin: unknown.

Ambry Genetics
Classification: Uncertain significance for Hereditary cancer-predisposing syndrome. Last evaluated: 2022-06-08. Review status: criteria provided, single submitter. Criteria: Ambry Variant Classification Scheme 2023. Collection method: clinical testing. Allele origin: germline.
Comment: The c.896+2T>C intronic variant results from a T to C substitution two nucleotides after coding exon 7 in the NBN gene. In silico splice site analysis predicts that this alteration will weaken the native splice donor site; however, direct evidence is insufficient at this time (Ambry internal data). Alterations that disrupt the canonical splice site are expected to cause aberrant splicing, resulting in an abnormal protein or a transcript that is subject to nonsense-mediated mRNA decay; however, +2T>C alterations are capable of generating wild-type transcripts in some genomic contexts and should be interpreted with caution (Lin JH et al. Hum Mutat. 2019 10;40:1856-1873). Since supporting evidence is limited at this time, the clinical significance of this alteration remains unclear.

Literature cited by the submitters: PubMed 16199547 (cited by Labcorp Genetics (formerly Invitae), Labcorp); PubMed 9590180 (cited by Labcorp Genetics (formerly Invitae), Labcorp); PubMed 16415040 (cited by Labcorp Genetics (formerly Invitae), Labcorp).